The following is an entry in ClinVar:

NM_000038.6(APC):c.8133T>C (p.Val2711=)

Gene: APC (APC regulator of Wnt signaling pathway; plus strand). Cytogenetic location: 5q22.2.
Variant type: single nucleotide variant.
Coding change: c.8133T>C on transcript NM_000038.6 (MANE Select); coding-DNA position 8133, T replaced by C.
Protein change: p.Val2711=; no amino-acid change (valine 2711 retained).
Molecular consequence: synonymous variant. On other transcripts: non-coding transcript variant (2).
Genome position (GRCh38, 1-based): chr5:112,843,727, T>C. VCF-style: chr5-112843727-T-C. GRCh37 (hg19) VCF-style: chr5-112179424-T-C.
Other names: c.8133T>C, p.Val2711= (NM_001127510.3, NM_001354895.2, NM_001407450.1); c.8079T>C, p.Val2693= (NM_001127511.3); c.8187T>C, p.Val2729= (NM_001354896.2, NM_001407447.1, NM_001407448.1 and 1 more transcripts); c.8163T>C, p.Val2721= (NM_001354897.2); c.8058T>C, p.Val2686= (NM_001354898.2); c.8049T>C, p.Val2683= (NM_001354899.2); c.8010T>C, p.Val2670= (NM_001354900.2); c.7956T>C, p.Val2652= (NM_001354901.2, NM_001407453.1); and 11 more.
Identifiers: ClinVar variation 1762139 (VCV001762139.6), dbSNP rs1489637060, ClinGen allele CA446211199.

ClinVar aggregate classification (germline): Benign/Likely benign. Review status: criteria provided, multiple submitters, no conflicts (2 of 4 stars). 3 submissions from 3 submitters: Benign (1); Likely benign (2). Last evaluated 2024-04-12.

Conditions:
Hereditary cancer-predisposing syndrome. Also called: Neoplastic Syndromes, Hereditary; Tumor predisposition; Hereditary Cancer Syndrome; Hereditary neoplastic syndrome. Identifiers: Orphanet 140162, MedGen C0027672, MeSH D009386, MONDO:0015356.
Familial adenomatous polyposis 1 (FAP1). Also called: FAMILIAL ADENOMATOUS POLYPOSIS 1, ATTENUATED; POLYPOSIS, ADENOMATOUS INTESTINAL. Identifiers: MedGen C2713442, MONDO:0021056, OMIM 175100. Disease mechanism: loss of function.

Allele frequency attached by ClinVar (database versions not stated): gnomAD exomes below 0.00001.
gnomAD v4.1: 1 of 1,614,078 alleles (0.000062%); highest among the groups gnomAD compares: Non-Finnish European, 0.000085%; no homozygotes.

Submissions (3):

Myriad Genetics, Inc.
Classification: Benign for Familial adenomatous polyposis 1. Last evaluated: 2024-04-12. Review status: criteria provided, single submitter. Criteria: Myriad Autosomal Dominant, Autosomal Recessive and X-Linked Classification Criteria (2023). Collection method: clinical testing. Allele origin: unknown.
Comment: This variant is considered benign. This variant is a silent/synonymous amino acid change and it is not expected to impact splicing.

Labcorp Genetics (formerly Invitae), Labcorp
Classification: Likely benign for Familial adenomatous polyposis 1. Last evaluated: 2023-08-02. Review status: criteria provided, single submitter. Criteria: Invitae Variant Classification Sherloc (09022015). Collection method: clinical testing. Allele origin: germline.

Ambry Genetics
Classification: Likely benign for Hereditary cancer-predisposing syndrome. Last evaluated: 2021-01-20. Review status: criteria provided, single submitter. Criteria: Ambry Variant Classification Scheme 2023. Collection method: clinical testing. Allele origin: germline.